The following is an entry in ClinVar:

NM_001486.4(GCKR):c.58G>A (p.Glu20Lys)

Gene: GCKR (glucokinase regulator; plus strand). Cytogenetic location: 2p23.3.
Variant type: single nucleotide variant.
Coding change: c.58G>A on transcript NM_001486.4 (MANE Select); coding-DNA position 58, G replaced by A.
Protein change: p.Glu20Lys; replaces glutamic acid 20 with lysine.
Molecular consequence: missense variant.
Genome position (GRCh38, 1-based): chr2:27,496,962, G>A. VCF-style: chr2-27496962-G-A. GRCh37 (hg19) VCF-style: chr2-27719829-G-A.
Other names: short protein forms E20K.
Identifiers: ClinVar variation 1919884 (VCV001919884.5), dbSNP rs1245416906, ClinGen allele CA346410073.
Genomic context (GRCh38, chr2:27,496,962, plus strand): 5'-ACCATGCCAGGCACAAAACGGTTTCAACATGTCATTGAGACCCCGGAGCCTGGCAAGTGG[G>A]AGGTGAGACCCCTTCTTCATGTTGGCTTTCTGTGCTGATTCCTAGAATTATTTTTCATCC-3'
Protein context (NP_001477.2, residues 10-30): VIETPEPGKW[Glu20Lys]LSGYEAAVPI

ClinVar aggregate classification (germline): Uncertain significance (1 of 4 stars; one submission).

Allele frequency attached by ClinVar (database versions not stated): TOPMed below 0.00001.

Submission:

Labcorp Genetics (formerly Invitae), Labcorp
Classification: Uncertain significance. Last evaluated: 2022-07-01. Review status: criteria provided, single submitter. Criteria: Invitae Variant Classification Sherloc (09022015). Collection method: clinical testing. Allele origin: germline.
Comment: This sequence change replaces glutamic acid, which is acidic and polar, with lysine, which is basic and polar, at codon 20 of the GCKR protein (p.Glu20Lys). In summary, the available evidence is currently insufficient to determine the role of this variant in disease. Therefore, it has been classified as a Variant of Uncertain Significance. Algorithms developed to predict the effect of missense changes on protein structure and function are either unavailable or do not agree on the potential impact of this missense change (SIFT: "Deleterious"; PolyPhen-2: "Possibly Damaging"; Align-GVGD: "Class C0"). This variant has not been reported in the literature in individuals affected with GCKR-related conditions. This variant is not present in population databases (gnomAD no frequency).